The following is an entry in ClinVar:

NM_000384.3(APOB):c.7596T>C (p.Leu2532=)

Gene: APOB (apolipoprotein B; minus strand). Cytogenetic location: 2p24.1.
Variant type: single nucleotide variant.
Coding change: c.7596T>C on transcript NM_000384.3 (MANE Select); coding-DNA position 7596, T replaced by C.
Protein change: p.Leu2532=; no amino-acid change (leucine 2532 retained).
Molecular consequence: synonymous variant.
Genome position (GRCh38, 1-based): chr2:21,009,272, A>G on the plus strand (T>C on the coding strand, the complement: APOB is on the minus strand). VCF-style: chr2-21009272-A-G. GRCh37 (hg19) VCF-style: chr2-21232144-A-G.
Identifiers: ClinVar variation 715497 (VCV000715497.17), dbSNP rs781293332, ClinGen allele CA064562.

ClinVar aggregate classification (germline): Likely benign. Review status: criteria provided, multiple submitters, no conflicts (2 of 4 stars). 4 submissions from 4 submitters: Likely benign (4). Last evaluated 2025-01-09.

Conditions:
Cardiovascular phenotype. Identifiers: MedGen CN230736.
Hypercholesterolemia, autosomal dominant, type B (FHCL2). Also called: APOB-Related Familial Hypercholesterolemia, Autosomal Dominant; APOLIPOPROTEIN B-100, FAMILIAL DEFECTIVE; APOLIPOPROTEIN B-100, FAMILIAL LIGAND-DEFECTIVE; Familial hypercholesterolemia 2; Familial Hypercholesterolemia Type B; HYPERCHOLESTEROLEMIA, FAMILIAL, DUE TO LIGAND-DEFECTIVE APOLIPOPROTEIN B. Identifiers: MedGen C1704417, MONDO:0007751, OMIM 144010.
Familial hypobetalipoproteinemia 1. Also called: APOB-Related Familial Hypobetalipoproteinemia; Hypobetalipoproteinemia, normotriglyceridemic; Acanthocytosis with hypobetalipoproteinemia. Identifiers: MedGen C4551990, MONDO:0014252, OMIM 615558.
Familial hypercholesterolemia. Also called: Familial hypercholesterolemias; Familial hypercholesterolaemia. Identifiers: MedGen C0020445, MONDO:0005439.

Allele frequency attached by ClinVar (database versions not stated): TOPMed below 0.00001; gnomAD 0.00001; ExAC 0.00002; gnomAD exomes 0.00002.
gnomAD v4.1: 20 of 1,613,990 alleles (0.0012%); highest among the groups gnomAD compares: Middle Eastern, 0.016%; no homozygotes.

Submissions (4):

GENinCode PLC
Classification: Likely benign for Familial hypercholesterolemia. Last evaluated: 2025-01-09. Review status: criteria provided, single submitter. Criteria: ACMG Guidelines, 2015. Collection method: clinical testing. Allele origin: germline.
Comment: This is a synonymous (silent) variant that is not predicted to impact splicing and occurs at a nucleotide which is not highly conserved. This variant has been classified as Likely Benign (BP4, BP7).

Blueprint Genetics
Classification: Likely benign. Last evaluated: 2024-11-14. Review status: criteria provided, single submitter. Criteria: ACMG Guidelines, 2015. Collection method: clinical testing. Allele origin: germline.

Labcorp Genetics (formerly Invitae), Labcorp
Classification: Likely benign for Familial hypobetalipoproteinemia 1; Hypercholesterolemia, autosomal dominant, type B. Last evaluated: 2024-06-19. Review status: criteria provided, single submitter. Criteria: Invitae Variant Classification Sherloc (09022015). Collection method: clinical testing. Allele origin: germline.

Ambry Genetics
Classification: Likely benign for Cardiovascular phenotype. Last evaluated: 2022-05-24. Review status: criteria provided, single submitter. Criteria: Ambry Variant Classification Scheme 2023. Collection method: clinical testing. Allele origin: germline.